The following is an entry in ClinVar:

NM_004311.4(ARL3):c.452G>A (p.Arg151Gln)

Gene: ARL3 (ARF like GTPase 3; minus strand). Cytogenetic location: 10q24.32.
Variant type: single nucleotide variant.
Coding change: c.452G>A on transcript NM_004311.4 (MANE Select); coding-DNA position 452, G replaced by A.
Protein change: p.Arg151Gln; replaces arginine 151 with glutamine.
Molecular consequence: missense variant.
Genome position (GRCh38, 1-based): chr10:102,685,865, C>T on the plus strand (G>A on the coding strand, the complement: ARL3 is on the minus strand). VCF-style: chr10-102685865-C-T. GRCh37 (hg19) VCF-style: chr10-104445622-C-T.
Other names: c.452G>A (NM_004311.3); short protein forms R151Q.
Identifiers: ClinVar variation 1899445 (VCV001899445.6), dbSNP rs376018992, ClinGen allele CA5668425.

ClinVar aggregate classification (germline): Uncertain significance. Review status: criteria provided, multiple submitters, no conflicts (2 of 4 stars). 2 submissions from 2 submitters: Uncertain significance (2). Last evaluated 2025-08-01.

Conditions:
Inborn genetic diseases. Identifiers: MedGen C0950123, MeSH D030342.

Allele frequency attached by ClinVar (database versions not stated): gnomAD 0.00001; ExAC 0.00002; TOPMed 0.00003; ESP Exome Variant Server 0.00008.
gnomAD v4.1: 13 of 1,613,924 alleles (0.00081%); highest among the groups gnomAD compares: East Asian, 0.0022%; no homozygotes.

Submissions (2):

Ambry Genetics
Classification: Uncertain significance for Inborn genetic diseases. Last evaluated: 2025-08-01. Review status: criteria provided, single submitter. Criteria: Ambry Variant Classification Scheme 2023. Collection method: clinical testing. Allele origin: germline.

Labcorp Genetics (formerly Invitae), Labcorp
Classification: Uncertain significance. Last evaluated: 2022-06-04. Review status: criteria provided, single submitter. Criteria: Invitae Variant Classification Sherloc (09022015). Collection method: clinical testing. Allele origin: germline.
Comment: This sequence change replaces arginine, which is basic and polar, with glutamine, which is neutral and polar, at codon 151 of the ARL3 protein (p.Arg151Gln). This variant is present in population databases (rs376018992, gnomAD 0.006%). This missense change has been observed in individual(s) with clinical features of autosomal dominant retinitis pigmentosa (Invitae). Algorithms developed to predict the effect of missense changes on protein structure and function are either unavailable or do not agree on the potential impact of this missense change (SIFT: "Deleterious"; PolyPhen-2: "Probably Damaging"; Align-GVGD: "Class C0"). In summary, the available evidence is currently insufficient to determine the role of this variant in disease. Therefore, it has been classified as a Variant of Uncertain Significance.